The following is an entry in ClinVar:

ClinVar aggregate classification (germline): Uncertain significance. Review status: criteria provided, multiple submitters, no conflicts (2 of 4 stars). 4 submissions from 4 submitters: Uncertain significance (4). Last evaluated 2026-06-30.

Conditions:
Inborn genetic diseases. Identifiers: MedGen C0950123, MeSH D030342.
Nephronophthisis. Also called: Juvenile Nephronophthisis. Identifiers: Orphanet 655, MedGen C0687120, MONDO:0019005, HP:0000090.
Joubert syndrome. Also called: Familial aplasia of the vermis; JOUBERT-BOLTSHAUSER SYNDROME. Identifiers: Orphanet 475, MedGen C5979921, MONDO:0018772.
Meckel-Gruber syndrome. Also called: Dysencephalia splachnocystica; DYSENCEPHALIA SPLANCHNOCYSTICA; GRUBER SYNDROME. Identifiers: Orphanet 564, MedGen C0265215, MONDO:0018921.
Joubert syndrome 5 (JBTS5). Identifiers: Orphanet 2318, MedGen C1857780, MONDO:0012432, OMIM 610188.
Bardet-Biedl syndrome 14 (BBS14). Identifiers: Orphanet 110, MedGen C2673874, MONDO:0014442, OMIM 615991.
Meckel syndrome, type 4 (MKS4). Also called: MECKEL-GRUBER SYNDROME, TYPE 4. Identifiers: Orphanet 564, MedGen C1970161, MONDO:0012626, OMIM 611134.
Senior-Loken syndrome 6 (SLSN6). Identifiers: Orphanet 3156, MedGen C1857779, MONDO:0012433, OMIM 610189.
Leber congenital amaurosis 10 (LCA10). Identifiers: Orphanet 65, MedGen C1857821, MONDO:0012723, OMIM 611755.
CEP290-related disorder. Also called: CEP290-related disorders; CEP290-related condition. Identifiers: MedGen CN239314.

Allele frequency attached by ClinVar (database versions not stated): gnomAD exomes below 0.00001; ExAC 0.00001; gnomAD 0.00001; TOPMed 0.00001.
gnomAD v4.1: 2 of 1,603,956 alleles (0.00012%); highest among the groups gnomAD compares: Admixed American, 0.0035%; no homozygotes.

Submissions (4):

PreventionGenetics, part of Exact Sciences
Classification: Uncertain significance for CEP290-related condition. Last evaluated: 2026-06-30. Review status: criteria provided, single submitter. Criteria: ACMG Guidelines, 2015. Collection method: clinical testing. Allele origin: germline.
Comment: The CEP290 c.533A>G variant is predicted to result in the amino acid substitution p.Gln178Arg. To our knowledge, this variant has not been reported in the literature. This variant is reported in 0.0062% of alleles in individuals of Latino descent in gnomAD. At this time, the clinical significance of this variant is uncertain due to the absence of conclusive functional and genetic evidence.

Ambry Genetics
Classification: Uncertain significance for Inborn genetic diseases. Last evaluated: 2025-02-21. Review status: criteria provided, single submitter. Criteria: Ambry Variant Classification Scheme 2023. Collection method: clinical testing. Allele origin: germline.

Labcorp Genetics (formerly Invitae), Labcorp
Classification: Uncertain significance for Joubert syndrome; Meckel-Gruber syndrome; Nephronophthisis. Last evaluated: 2024-11-18. Review status: criteria provided, single submitter. Criteria: Invitae Variant Classification Sherloc (09022015). Collection method: clinical testing. Allele origin: germline.
Comment: This sequence change replaces glutamine, which is neutral and polar, with arginine, which is basic and polar, at codon 178 of the CEP290 protein (p.Gln178Arg). This variant is present in population databases (rs773591434, gnomAD 0.006%). This variant has not been reported in the literature in individuals affected with CEP290-related conditions. ClinVar contains an entry for this variant (Variation ID: 1499441). Invitae Evidence Modeling of protein sequence and biophysical properties (such as structural, functional, and spatial information, amino acid conservation, physicochemical variation, residue mobility, and thermodynamic stability) indicates that this missense variant is expected to disrupt CEP290 protein function with a positive predictive value of 80%. In summary, the available evidence is currently insufficient to determine the role of this variant in disease. Therefore, it has been classified as a Variant of Uncertain Significance.

Fulgent Genetics
Classification: Uncertain significance for Joubert syndrome 5; Senior-Loken syndrome 6; Meckel syndrome, type 4; Leber congenital amaurosis 10; Bardet-Biedl syndrome 14. Last evaluated: 2022-05-23. Review status: criteria provided, single submitter. Criteria: ACMG Guidelines, 2015. Collection method: clinical testing. Allele origin: unknown.

NM_025114.4(CEP290):c.533A>G (p.Gln178Arg)

Gene: CEP290 (centrosomal protein 290; minus strand). Cytogenetic location: 12q21.32.
Variant type: single nucleotide variant.
Coding change: c.533A>G on transcript NM_025114.4 (MANE Select); coding-DNA position 533, A replaced by G.
Protein change: p.Gln178Arg; replaces glutamine 178 with arginine.
Molecular consequence: missense variant.
Genome position (GRCh38, 1-based): chr12:88,130,404, T>C on the plus strand (A>G on the coding strand, the complement: CEP290 is on the minus strand). VCF-style: chr12-88130404-T-C. GRCh37 (hg19) VCF-style: chr12-88524181-T-C.
Other names: c.533A>G (NM_025114.3); short protein forms Q178R.
Identifiers: ClinVar variation 1499441 (VCV001499441.8), dbSNP rs773591434, ClinGen allele CA6712743.